The following is an entry in ClinVar:

ClinVar aggregate classification (germline): Likely pathogenic (1 of 4 stars; one submission).

Conditions:
Hermansky-Pudlak syndrome 4 (HPS4). Identifiers: Orphanet 231500, Orphanet 79430, MedGen C3484357, MONDO:0013556, OMIM 614073.

Submission:

Laboratory of Genetic Epidemiology, Research Centre for Medical Genetics
Classification: Likely pathogenic for Hermansky-Pudlak syndrome 4. Last evaluated: 2025-01-01. Review status: criteria provided, single submitter. Criteria: ACMG Guidelines, 2015. Collection method: clinical testing. Allele origin: biparental. Inheritance: Autosomal recessive inheritance. Affected: yes. Observed: 1 homozygote.
Comment: This variant has not been previously reported in the literature, and is not listed in gnomAD v3.1.2. The affected amino acid position is evolutionarily conserved, and multiple in silico prediction tools support a deleterious effect. Taken together, the variant meets the following ACMG/AMP criteria and can be classified as likely pathogenic with PM2, PP3, PM3, PP4 criteria.

Literature cited by the submitters: PubMed 41428507.

NM_022081.6(HPS4):c.1630T>A (p.Tyr544Asn)

Gene: HPS4 (HPS4 biogenesis of lysosomal organelles complex 3 subunit 2; minus strand). Cytogenetic location: 22q12.1.
Variant type: single nucleotide variant.
Coding change: c.1630T>A on transcript NM_022081.6 (MANE Select); coding-DNA position 1630, T replaced by A.
Protein change: p.Tyr544Asn; replaces tyrosine 544 with asparagine.
Molecular consequence: missense variant. On other transcripts: non-coding transcript variant (8).
Genome position (GRCh38, 1-based): chr22:26,464,000, A>T on the plus strand (T>A on the coding strand, the complement: HPS4 is on the minus strand). VCF-style: chr22-26464000-A-T. GRCh37 (hg19) VCF-style: chr22-26859966-A-T.
Other names: c.1630T>A, p.Tyr544Asn (NM_001349902.1, NM_001349903.2, NM_001349904.2 and 5 more transcripts); c.1615T>A, p.Tyr539Asn (NM_152841.2); c.1684T>A, p.Tyr562Asn (NM_001349900.2, NM_001349901.1); short protein forms Y539N, Y544N, Y562N.
Identifiers: ClinVar variation 4077104 (VCV004077104.1).